The following is an entry in ClinVar:

ClinVar aggregate classification (germline): Conflicting classifications of pathogenicity. Review status: criteria provided, conflicting classifications (1 of 4 stars). 3 submissions from 3 submitters: Uncertain significance (2); Benign (1). Last evaluated 2026-01-27.

Conditions:
Inborn genetic diseases. Identifiers: MedGen C0950123, MeSH D030342.
Ovarian cancer. Also called: OVARIAN CANCER, SOMATIC. Identifiers: Orphanet 213500, MedGen C1140680, MONDO:0008170, OMIM 167000.
Xeroderma pigmentosum, group F (XPF). Also called: ERCC4-Related Xeroderma Pigmentosum; XERODERMA PIGMENTOSUM VI; XP, GROUP F; XERODERMA PIGMENTOSUM, COMPLEMENTATION GROUP F; XERODERMA PIGMENTOSUM, TYPE F; Xeroderma pigmentosum, type 6. Identifiers: MedGen C0268140, MONDO:0010215, OMIM 278760.
Cockayne syndrome. Identifiers: Orphanet 191, MedGen C0009207, MONDO:0016006.
Fanconi anemia complementation group Q. Identifiers: Orphanet 84, MedGen C3808988, MONDO:0014108, OMIM 615272.

Allele frequency attached by ClinVar (database versions not stated): gnomAD exomes 0.00002 and 0.00008; TOPMed 0.00003; gnomAD 0.00004 and 0.00005; ExAC 0.00008.
gnomAD v4.1: 31 of 1,614,136 alleles (0.0019%); highest among the groups gnomAD compares: East Asian, 0.067%; no homozygotes.

Submissions (3):

Labcorp Genetics (formerly Invitae), Labcorp
Classification: Uncertain significance for Fanconi anemia complementation group Q; Xeroderma pigmentosum, group F; Cockayne syndrome. Last evaluated: 2026-01-27. Review status: criteria provided, single submitter. Criteria: Invitae Variant Classification Sherloc (09022015). Collection method: clinical testing. Allele origin: germline.
Comment: This sequence change replaces alanine, which is neutral and non-polar, with glycine, which is neutral and non-polar, at codon 808 of the ERCC4 protein (p.Ala808Gly). This variant is present in population databases (rs746576915, gnomAD 0.1%). This variant has not been reported in the literature in individuals affected with ERCC4-related conditions. ClinVar contains an entry for this variant (Variation ID: 655804). Invitae Evidence Modeling of protein sequence and biophysical properties (such as structural, functional, and spatial information, amino acid conservation, physicochemical variation, residue mobility, and thermodynamic stability) indicates that this missense variant is not expected to disrupt ERCC4 protein function with a negative predictive value of 80%. In summary, the available evidence is currently insufficient to determine the role of this variant in disease. Therefore, it has been classified as a Variant of Uncertain Significance.

Ambry Genetics
Classification: Uncertain significance for Inborn genetic diseases. Last evaluated: 2023-08-22. Review status: criteria provided, single submitter. Criteria: Ambry Variant Classification Scheme 2023. Collection method: clinical testing. Allele origin: germline.

Laboratory of Molecular Epidemiology of Birth Defects, West China Second University Hospital, Sichuan University
Classification: Benign for Ovarian cancer. Last evaluated: 2022-01-01. Review status: criteria provided, single submitter. Criteria: ACMG Guidelines, 2015. Collection method: clinical testing. Allele origin: germline. Affected: yes.

NM_005236.3(ERCC4):c.2423C>G (p.Ala808Gly)

Gene: ERCC4 (ERCC excision repair 4, endonuclease catalytic subunit; plus strand). Cytogenetic location: 16p13.12.
Variant type: single nucleotide variant.
Coding change: c.2423C>G on transcript NM_005236.3 (MANE Select); coding-DNA position 2423, C replaced by G.
Protein change: p.Ala808Gly; replaces alanine 808 with glycine.
Molecular consequence: missense variant.
Genome position (GRCh38, 1-based): chr16:13,948,019, C>G. VCF-style: chr16-13948019-C-G. GRCh37 (hg19) VCF-style: chr16-14041876-C-G.
Other names: short protein forms A808G.
Identifiers: ClinVar variation 655804 (VCV000655804.10), dbSNP rs746576915, ClinGen allele CA7910734.